The following is an entry in ClinVar:

NM_004863.4(SPTLC2):c.*2159A>G

Gene: SPTLC2 (serine palmitoyltransferase long chain base subunit 2; minus strand). Cytogenetic location: 14q24.3.
Variant type: single nucleotide variant.
Coding change: c.*2159A>G on transcript NM_004863.4 (MANE Select); 2159 bases downstream of the stop codon, A replaced by G.
Molecular consequence: 3 prime UTR variant.
Genome position (GRCh38, 1-based): chr14:77,510,125, T>C on the plus strand (A>G on the coding strand, the complement: SPTLC2 is on the minus strand). VCF-style: chr14-77510125-T-C. GRCh37 (hg19) VCF-style: chr14-77976468-T-C.
Identifiers: ClinVar variation 314632 (VCV000314632.6), dbSNP rs45493395, ClinGen allele CA10645087.
Genomic context (GRCh38, chr14:77,510,125, plus strand): 5'-TTCTATGGTAGGAAACTAGATGTGCAGAAAAGGTTGACAATGTATTTGATTTTATAGGAC[T>C]CCTATTTAGTTACCACAACCTCCTTCTTACTTTAACCTATACATGCTAAATATAGTCTCT-3'

ClinVar aggregate classification (germline): Benign. Review status: criteria provided, multiple submitters, no conflicts (2 of 4 stars). 2 submissions from 2 submitters: Benign (2). Last evaluated 2018-01-12.

Conditions:
Neuropathy, hereditary sensory and autonomic, type 1C. Also called: HSAN IC; HSN IC. Identifiers: Orphanet 36386, MedGen C3150896, MONDO:0013337, OMIM 613640.

Allele frequency attached by ClinVar (database versions not stated): 1000 Genomes Project 0.09345; 1000 Genomes Project 30x 0.09541; gnomAD exomes 0.10274; TOPMed 0.10827; gnomAD 0.10911 and 0.11081.
gnomAD v4.1: 41,606 of 394,058 alleles (11%); highest among the groups gnomAD compares: African/African-American, 12%; 2,413 homozygotes.

Submissions (2):

Illumina Laboratory Services, Illumina
Classification: Benign for Neuropathy, hereditary sensory and autonomic, type 1C. Last evaluated: 2018-01-12. Review status: criteria provided, single submitter. Criteria: ICSL Variant Classification Criteria 13 December 2019. Collection method: clinical testing. Allele origin: germline.
Comment: This variant was observed in the ICSL laboratory as part of a predisposition screen in an ostensibly healthy population. It had not been previously curated by ICSL or reported in the Human Gene Mutation Database (HGMD: prior to June 1st, 2018), and was therefore a candidate for classification through an automated scoring system. Utilizing variant allele frequency, disease prevalence and penetrance estimates, and inheritance mode, an automated score was calculated to assess if this variant is too frequent to cause the disease. Based on the score and internal cut-off values, a variant classified as benign is not then subjected to further curation. The score for this variant resulted in a classification of benign for this disease.

Breakthrough Genomics
Classification: Benign. Review status: criteria provided, single submitter. Criteria: ACMG Guidelines, 2015. Collection method: not provided. Allele origin: germline. Inheritance: Autosomal dominant inheritance. Affected: yes.